The following is an entry in ClinVar:

ClinVar aggregate classification (somatic clinical impact): Tier I - Strong. Review status: criteria provided, single submitter (1 of 4 stars). 2 submissions from 1 submitter. Last evaluated 2024-11-05.
ClinVar aggregate classification (oncogenicity): Likely oncogenic (1 of 4 stars; one submission).

Conditions:
Posterior fossa group A ependymoma. Identifiers: MedGen C5670548, MONDO:0956992.
Diffuse midline glioma, H3 K27M-mutant. Identifiers: MedGen C4289688, MONDO:0957196.
Neoplasm. Also called: Neoplasms; Neoplasm (disease); tumor. Identifiers: MedGen C0027651, MeSH D009369, MONDO:0005070, HP:0002664.

Submissions (3):

Center for Genomic Medicine, Rigshospitalet, Copenhagen University Hospital
Classification: Likely oncogenic for Neoplasm. Last evaluated: 2025-03-04. Review status: criteria provided, single submitter. Criteria: ClinGen/CGC/VICC Guidelines for Oncogenicity, 2022. Collection method: clinical testing. Allele origin: somatic. Affected: yes.

Institute for Genomic Medicine (IGM) Clinical Laboratory, Nationwide Children's Hospital
Classification: Tier I - Strong for Posterior fossa group A ependymoma. Assertion type: diagnostic. Clinical significance: supports diagnosis. Last evaluated: 2024-11-05. Review status: criteria provided, single submitter. Criteria: AMP/ASCO/CAP Guidelines, 2017. Collection method: clinical testing. Allele origin: somatic. Affected: yes.
Comment: Variant has Tier I (strong) clinical significance as a diagnostic inclusion criterion in posterior fossa group A ependymoma, based on the following evidence: 1) Documented in one or more cancer databases (e.g., St. Jude Pecan, COSMIC, CIViC, OncoKB). 2) Diagnostic for a specific tumor type/classification based on well-powered studies with expert-level consensus (Evidence Level B; PMIDs: 27539613, 29909548, 28623522).

Institute for Genomic Medicine (IGM) Clinical Laboratory, Nationwide Children's Hospital
Classification: Tier I - Strong for Diffuse midline glioma, H3 K27M-mutant. Assertion type: diagnostic. Clinical significance: supports diagnosis. Last evaluated: 2024-07-10. Review status: criteria provided, single submitter. Criteria: AMP/ASCO/CAP Guidelines, 2017. Collection method: clinical testing. Allele origin: somatic. Affected: yes.
Comment: Variant has Tier I (strong) clinical significance as a diagnostic inclusion criterion in diffuse midline glioma, H3 K27M-mutant, based on the following evidence: 1) Documented in one or more cancer databases (e.g., St. Jude Pecan, COSMIC, CIViC, OncoKB). 2) Appears in one or more well-established professional guidelines (e.g., World Health Organization [WHO]; National Comprehensive Cancer Network [NCCN]) as providing diagnostic, prognostic, or therapeutic information. 3) Information in the literature supports potential biologic effect of variant (PMIDs: 23539183, 24183680). 4) Diagnostic for a specific tumor type/classification according to professional guidelines (Evidence Level A; PMIDs: 28966033, 24705251, 22286216, 31348837, 26399631).

Literature cited by the submitters: PubMed 23603901 (cited by Center for Genomic Medicine, Rigshospitalet, Copenhagen University Hospital); PubMed 23539183 (cited by Center for Genomic Medicine, Rigshospitalet, Copenhagen University Hospital and Institute for Genomic Medicine (IGM) Clinical Laboratory, Nationwide Children's Hospital); PubMed 27539613 (cited by Institute for Genomic Medicine (IGM) Clinical Laboratory, Nationwide Children's Hospital); PubMed 29909548 (cited by Institute for Genomic Medicine (IGM) Clinical Laboratory, Nationwide Children's Hospital); PubMed 28623522 (cited by Institute for Genomic Medicine (IGM) Clinical Laboratory, Nationwide Children's Hospital); PubMed 24183680 (cited by Institute for Genomic Medicine (IGM) Clinical Laboratory, Nationwide Children's Hospital); PubMed 28966033 (cited by Institute for Genomic Medicine (IGM) Clinical Laboratory, Nationwide Children's Hospital); PubMed 24705251 (cited by Institute for Genomic Medicine (IGM) Clinical Laboratory, Nationwide Children's Hospital); PubMed 22286216 (cited by Institute for Genomic Medicine (IGM) Clinical Laboratory, Nationwide Children's Hospital); PubMed 31348837 (cited by Institute for Genomic Medicine (IGM) Clinical Laboratory, Nationwide Children's Hospital); PubMed 26399631 (cited by Institute for Genomic Medicine (IGM) Clinical Laboratory, Nationwide Children's Hospital).

NM_003537.4(H3C2):c.83A>T (p.Lys28Met)

Gene: H3C2 (H3 clustered histone 2; minus strand). Cytogenetic location: 6p22.2.
Variant type: single nucleotide variant.
Coding change: c.83A>T on transcript NM_003537.4 (MANE Select); coding-DNA position 83, A replaced by T.
Protein change: p.Lys28Met; replaces lysine 28 with methionine.
Molecular consequence: missense variant.
Genome position (GRCh38, 1-based): chr6:26,031,978, T>A on the plus strand (A>T on the coding strand, the complement: H3C2 is on the minus strand). VCF-style: chr6-26031978-T-A. GRCh37 (hg19) VCF-style: chr6-26032206-T-A.
Other names: short protein forms K28M.
Identifiers: ClinVar variation 3764832 (VCV003764832.2).